The following is an entry in ClinVar:

ClinVar aggregate classification (germline): Uncertain significance (1 of 4 stars; one submission).

Conditions:
Hereditary pancreatitis (PCTT). Also called: Hereditary chronic pancreatitis; PRSS1-Related Hereditary Pancreatitis. Identifiers: Orphanet 676, MedGen C0238339, MONDO:0008185, OMIM 167800.

Allele frequency attached by ClinVar (database versions not stated): gnomAD exomes below 0.00001.
gnomAD v4.1: 1 of 1,613,770 alleles (0.000062%); highest among the groups gnomAD compares: South Asian, 0.0011%; no homozygotes.

Submission:

Ambry Genetics
Classification: Uncertain significance for Hereditary pancreatitis. Last evaluated: 2022-03-03. Review status: criteria provided, single submitter. Criteria: Ambry Variant Classification Scheme 2023. Collection method: clinical testing. Allele origin: germline.
Comment: The p.A360G variant (also known as c.1079C>G), located in coding exon 10 of the CPA1 gene, results from a C to G substitution at nucleotide position 1079. The alanine at codon 360 is replaced by glycine, an amino acid with similar properties. This amino acid position is conserved. In addition, the in silico prediction for this alteration is inconclusive. Since supporting evidence is limited at this time, the clinical significance of this alteration remains unclear.

NM_001868.4(CPA1):c.1079C>G (p.Ala360Gly)

Gene: CPA1 (carboxypeptidase A1; plus strand). Cytogenetic location: 7q32.2.
Variant type: single nucleotide variant.
Coding change: c.1079C>G on transcript NM_001868.4 (MANE Select); coding-DNA position 1079, C replaced by G.
Protein change: p.Ala360Gly; replaces alanine 360 with glycine.
Molecular consequence: missense variant.
Genome position (GRCh38, 1-based): chr7:130,387,830, C>G. VCF-style: chr7-130387830-C-G. GRCh37 (hg19) VCF-style: chr7-130027671-C-G.
Other names: short protein forms A360G.
Identifiers: ClinVar variation 1785702 (VCV001785702.2), dbSNP rs2536015189, ClinGen allele CA369284183.